The following is an entry in ClinVar:

ClinVar aggregate classification (germline): Uncertain significance (1 of 4 stars; one submission).

Conditions:
Hereditary cancer-predisposing syndrome. Also called: Neoplastic Syndromes, Hereditary; Tumor predisposition; Hereditary Cancer Syndrome; Hereditary neoplastic syndrome. Identifiers: Orphanet 140162, MedGen C0027672, MeSH D009386, MONDO:0015356.

Submission:

Ambry Genetics
Classification: Uncertain significance for Hereditary cancer-predisposing syndrome. Last evaluated: 2025-11-19. Review status: criteria provided, single submitter. Criteria: Ambry Variant Classification Scheme 2023. Collection method: clinical testing. Allele origin: germline.
Comment: The p.V1476G variant (also known as c.4427T>G), located in coding exon 29 of the ALK gene, results from a T to G substitution at nucleotide position 4427. The valine at codon 1476 is replaced by glycine, an amino acid with dissimilar properties. This amino acid position is conserved. In addition, the in silico prediction for this alteration is inconclusive. Based on the available evidence, the clinical significance of this variant remains unclear.

NM_004304.5(ALK):c.4427T>G (p.Val1476Gly)

Gene: ALK (ALK receptor tyrosine kinase; minus strand). Cytogenetic location: 2p23.2.
Variant type: single nucleotide variant.
Coding change: c.4427T>G on transcript NM_004304.5 (MANE Select); coding-DNA position 4427, T replaced by G.
Protein change: p.Val1476Gly; replaces valine 1476 with glycine.
Molecular consequence: missense variant.
Genome position (GRCh38, 1-based): chr2:29,193,660, A>C on the plus strand (T>G on the coding strand, the complement: ALK is on the minus strand). VCF-style: chr2-29193660-A-C. GRCh37 (hg19) VCF-style: chr2-29416526-A-C.
Other names: c.1223T>G, p.Val408Gly (NM_001353765.2); short protein forms V1476G, V408G.
Identifiers: ClinVar variation 4680032 (VCV004680032.1).